The following is an entry in ClinVar:

ClinVar aggregate classification (germline): Uncertain significance (1 of 4 stars; one submission).

Conditions:
Fanconi anemia (FA). Also called: Fanconi's anemia. Identifiers: Orphanet 84, MedGen C0015625, MeSH D005199, MONDO:0019391.

gnomAD v4.1: 4 of 1,612,858 alleles (0.00025%); highest among the groups gnomAD compares: Non-Finnish European, 0.00034%; no homozygotes.

Submission:

Labcorp Genetics (formerly Invitae), Labcorp
Classification: Uncertain significance for Fanconi anemia. Last evaluated: 2024-09-05. Review status: criteria provided, single submitter. Criteria: Invitae Variant Classification Sherloc (09022015). Collection method: clinical testing. Allele origin: germline.
Comment: This sequence change replaces methionine, which is neutral and non-polar, with lysine, which is basic and polar, at codon 480 of the FANCM protein (p.Met480Lys). This variant is not present in population databases (gnomAD no frequency). This variant has not been reported in the literature in individuals affected with FANCM-related conditions. ClinVar contains an entry for this variant (Variation ID: 1484109). An algorithm developed to predict the effect of missense changes on protein structure and function (PolyPhen-2) suggests that this variant is likely to be disruptive. In summary, the available evidence is currently insufficient to determine the role of this variant in disease. Therefore, it has been classified as a Variant of Uncertain Significance.

NM_020937.4(FANCM):c.1439T>A (p.Met480Lys)

Gene: FANCM (FA complementation group M; plus strand). Cytogenetic location: 14q21.2.
Variant type: single nucleotide variant.
Coding change: c.1439T>A on transcript NM_020937.4 (MANE Select); coding-DNA position 1439, T replaced by A.
Protein change: p.Met480Lys; replaces methionine 480 with lysine.
Molecular consequence: missense variant.
Genome position (GRCh38, 1-based): chr14:45,159,138, T>A. VCF-style: chr14-45159138-T-A. GRCh37 (hg19) VCF-style: chr14-45628341-T-A.
Other names: c.1361T>A, p.Met454Lys (NM_001308133.2); c.1439T>A, p.Met480Lys (NM_001308134.2); short protein forms M480K, M454K.
Identifiers: ClinVar variation 1484109 (VCV001484109.6), dbSNP rs776804525, ClinGen allele CA389592446.